The following is an entry in ClinVar:

NM_000203.5(IDUA):c.1044C>A (p.Asn348Lys)

Gene: IDUA (alpha-L-iduronidase; plus strand). Cytogenetic location: 4p16.3.
Variant type: single nucleotide variant.
Coding change: c.1044C>A on transcript NM_000203.5 (MANE Select); coding-DNA position 1044, C replaced by A.
Protein change: p.Asn348Lys; replaces asparagine 348 with lysine.
Molecular consequence: missense variant. On other transcripts: non-coding transcript variant (1).
Genome position (GRCh38, 1-based): chr4:1,002,340, C>A. VCF-style: chr4-1002340-C-A. GRCh37 (hg19) VCF-style: chr4-996128-C-A.
Other names: NM_001363576.1:c.648C>A; c.648C>A, p.Asn216Lys (NM_001363576.1); short protein forms N216K, N348K.
Identifiers: ClinVar variation 4817914 (VCV004817914.1).

ClinVar aggregate classification (germline): Likely pathogenic. Review status: reviewed by expert panel (3 of 4 stars). 2 submissions from 2 submitters: Likely pathogenic (1). 1 of the submissions does not count toward it. Last evaluated 2025-12-15.

Conditions:
Mucopolysaccharidosis type 1. Also called: IDUA deficiency; MPS I; Mucopolysaccharidosis Type I. Identifiers: Orphanet 579, MedGen C0023786, MONDO:0001586.

Submissions (2):

ClinGen Lysosomal Storage Disorder Variant Curation Expert Panel
Classification: Likely pathogenic for Mucopolysaccharidosis type 1. Last evaluated: 2025-12-15. Review status: reviewed by expert panel. Criteria: ClinGen LSD ACMG Specifications IDUA V1.2.0. Collection method: curation. Allele origin: germline. Inheritance: Autosomal recessive inheritance.
Comment: The NM_000203.5:c.1044C>A variant in IDUA is a missense variant resulting in the substitution of asparagine by lysine at amino acid 348 (p.Asn348Lys). This variant has been identified in multiple probands with MPS I including those with with documented values showing reduced IDUA activity and clinical features consistent with the condition (PMID: 33301762) (PP4). At least 2 probands are compound heterozygous for this variant and a second variant in IDUA that has been classified as pathogenic by the ClinGen Lysosomal Diseases VCEP, including c.1205G>A (p.Trp402Ter) ((PMID: 31194252, 28684085) (2 patients reported in both publications; 0.5 points given due to possibly overlap, and may be siblings) and c.1598C>G (p.Pro533Arg) (PMID: 33301762) (0.5 points, 2 siblings). In addition, two probands are compound heterozygous for the variant and either c.1727+5G>C (PMID: 31194252, 21394825, 24480078) or c.718C>G (p.His240Asp) (PMID: 24875751). The allelic data from these patients may be used in the classification of the second variant and is not included here to avoid circular logic. Total 1 point (PM3). This variant is absent in gnomAD v4.1.0. (PM2_Supporting). The computational predictor REVEL gives a score of 0.761, which is in the range 0.644-0.773, evidence that correlates with impact to IDUA function at the supporting level(PMID: 36413997) (PP3). When expressed in CHO cells, the variant showed very low catalytic activity, less than 1% of wild-type enzyme activity; no protein was detected on Western blot (PMID: 24875751) (PS3_Supporting). In summary, this variant meets the criteria to be classified as likely pathogenic for MPS I. IDUA-specific ACMG/AMP criteria applied, as specified by the ClinGen Lysosomal Diseases Variant Curation Expert Panel (Specifications Version 1.2.0): PM3, PP3, PP4, PS3_Supporting, PM2_Supporting (Classification approved by the ClinGen Lysosomal Diseases Variant Curation Expert Panel on December 15, 2025)

Natera, Inc.
Classification: Likely pathogenic for Mucopolysaccharidosis type I. Last evaluated: 2026-01-16. Review status: criteria provided, single submitter. Criteria: Natera Variant Classification Schema (03/2026). Collection method: clinical testing. Allele origin: germline. Not counted in ClinVar's aggregate classification.
Comment: The c.1044C>A variant in IDUA is a missense variant predicted to cause substitution of asparagine to lysine at amino acid 348. This variant is rare in the general population with a frequency below the threshold expected for the associated phenotype(s). Another variant at this same site results in an alteration predicted to cause a similar molecular effect has been observed in individual(s) with the associated phenotype. Computational prediction algorithms indicate this variant is likely to affect gene or protein function. Given the available evidence, this variant is classified as Likely Pathogenic.